The following is an entry in ClinVar:

NM_006158.5(NEFL):c.1505C>T (p.Ser502Phe)

Gene: NEFL (neurofilament light chain; minus strand). Cytogenetic location: 8p21.2.
Variant type: single nucleotide variant.
Coding change: c.1505C>T on transcript NM_006158.5 (MANE Select); coding-DNA position 1505, C replaced by T.
Protein change: p.Ser502Phe; replaces serine 502 with phenylalanine.
Molecular consequence: missense variant.
Genome position (GRCh38, 1-based): chr8:24,952,937, G>A on the plus strand (C>T on the coding strand, the complement: NEFL is on the minus strand). VCF-style: chr8-24952937-G-A. GRCh37 (hg19) VCF-style: chr8-24810450-G-A.
Other names: short protein forms S502F.
Identifiers: ClinVar variation 1418740 (VCV001418740.6), dbSNP rs1054913532, ClinGen allele CA174057903.

ClinVar aggregate classification (germline): Uncertain significance (1 of 4 stars; one submission).

Conditions:
Charcot-Marie-Tooth disease type 2E (CMT2E). Also called: CHARCOT-MARIE-TOOTH NEUROPATHY, TYPE 2E; CHARCOT-MARIE-TOOTH DISEASE, AXONAL, TYPE 2E. Identifiers: Orphanet 99939, MedGen C1843225, MONDO:0011894, OMIM 607684.

Allele frequency attached by ClinVar (database versions not stated): gnomAD exomes 0.00001; TOPMed 0.00001.
gnomAD v4.1: 10 of 1,611,008 alleles (0.00062%); highest among the groups gnomAD compares: South Asian, 0.0066%; no homozygotes.

Submission:

Labcorp Genetics (formerly Invitae), Labcorp
Classification: Uncertain significance for Charcot-Marie-Tooth disease type 2E. Last evaluated: 2024-05-28. Review status: criteria provided, single submitter. Criteria: Invitae Variant Classification Sherloc (09022015). Collection method: clinical testing. Allele origin: germline.
Comment: This sequence change replaces serine, which is neutral and polar, with phenylalanine, which is neutral and non-polar, at codon 502 of the NEFL protein (p.Ser502Phe). This variant is present in population databases (no rsID available, gnomAD 0.007%). This variant has not been reported in the literature in individuals affected with NEFL-related conditions. ClinVar contains an entry for this variant (Variation ID: 1418740). Advanced modeling of protein sequence and biophysical properties (such as structural, functional, and spatial information, amino acid conservation, physicochemical variation, residue mobility, and thermodynamic stability) has been performed at Invitae for this missense variant, however the output from this modeling did not meet the statistical confidence thresholds required to predict the impact of this variant on NEFL protein function. In summary, the available evidence is currently insufficient to determine the role of this variant in disease. Therefore, it has been classified as a Variant of Uncertain Significance.